The following is an entry in ClinVar:

NM_212482.4(FN1):c.718T>A (p.Tyr240Asn)

Gene: FN1 (fibronectin 1; minus strand). Cytogenetic location: 2q35.
Variant type: single nucleotide variant.
Coding change: c.718T>A on transcript NM_212482.4 (MANE Select); coding-DNA position 718, T replaced by A.
Protein change: p.Tyr240Asn; replaces tyrosine 240 with asparagine.
Molecular consequence: missense variant.
Genome position (GRCh38, 1-based): chr2:215,428,306, A>T on the plus strand (T>A on the coding strand, the complement: FN1 is on the minus strand). VCF-style: chr2-215428306-A-T. GRCh37 (hg19) VCF-style: chr2-216293029-A-T.
Other names: c.718T>A, p.Tyr240Asn (NM_001306129.2, NM_001306130.2, NM_001306131.2 and 14 more transcripts); short protein forms Y240N.
Identifiers: ClinVar variation 2693049 (VCV002693049.3), dbSNP rs1553659131, ClinGen allele CA350474256.

ClinVar aggregate classification (germline): Uncertain significance (1 of 4 stars; one submission).

Submission:

Labcorp Genetics (formerly Invitae), Labcorp
Classification: Uncertain significance. Last evaluated: 2023-11-13. Review status: criteria provided, single submitter. Criteria: Invitae Variant Classification Sherloc (09022015). Collection method: clinical testing. Allele origin: germline.
Comment: This sequence change replaces tyrosine, which is neutral and polar, with asparagine, which is neutral and polar, at codon 240 of the FN1 protein (p.Tyr240Asn). This variant is not present in population databases (gnomAD no frequency). This variant has not been reported in the literature in individuals affected with FN1-related conditions. Advanced modeling of protein sequence and biophysical properties (such as structural, functional, and spatial information, amino acid conservation, physicochemical variation, residue mobility, and thermodynamic stability) performed at Invitae indicates that this missense variant is not expected to disrupt FN1 protein function with a negative predictive value of 80%. In summary, the available evidence is currently insufficient to determine the role of this variant in disease. Therefore, it has been classified as a Variant of Uncertain Significance.